The following is an entry in ClinVar:

NM_017649.5(CNNM2):c.2519C>G (p.Thr840Arg)

Gene: CNNM2 (cyclin and CBS domain divalent metal cation transport mediator 2; plus strand). Cytogenetic location: 10q24.32.
Variant type: single nucleotide variant.
Coding change: c.2519C>G on transcript NM_017649.5 (MANE Select); coding-DNA position 2519, C replaced by G.
Protein change: p.Thr840Arg; replaces threonine 840 with arginine.
Molecular consequence: missense variant.
Genome position (GRCh38, 1-based): chr10:103,077,071, C>G. VCF-style: chr10-103077071-C-G. GRCh37 (hg19) VCF-style: chr10-104836828-C-G.
Other names: c.2453C>G, p.Thr818Arg (NM_199076.3); short protein forms T818R, T840R.
Identifiers: ClinVar variation 1694570 (VCV001694570.32), dbSNP rs374242727, ClinGen allele CA377964889.

ClinVar aggregate classification (germline): Uncertain significance. Review status: criteria provided, multiple submitters, no conflicts (2 of 4 stars). 2 submissions from 2 submitters: Uncertain significance (2). Last evaluated 2024-05-13.

Conditions:
Hypomagnesemia, seizures, and impaired intellectual development 1. Also called: Hypomagnesemia, seizures, and intellectual disability 1. Identifiers: Orphanet 34527, MedGen C4225333, MONDO:0020787, OMIM 616418.
Renal hypomagnesemia 6. Identifiers: Orphanet 34527, MedGen C3151295, MONDO:0013480, OMIM 613882.

Submissions (2):

Fulgent Genetics
Classification: Uncertain significance for Renal hypomagnesemia 6; Hypomagnesemia, seizures, and impaired intellectual development 1. Last evaluated: 2024-05-13. Review status: criteria provided, single submitter. Criteria: ACMG Guidelines, 2015. Collection method: clinical testing. Allele origin: germline.

CeGaT Center for Human Genetics Tuebingen
Classification: Uncertain significance. Last evaluated: 2022-05-01. Review status: criteria provided, single submitter. Criteria: CeGaT Center For Human Genetics Tuebingen Variant Classification Criteria Version 2. Collection method: clinical testing. Allele origin: germline. Affected: yes. Observed: 1 variant allele.
Comment: CNNM2: PP2, PP3